The following is an entry in ClinVar:

NM_004082.5(DCTN1):c.3029+19G>T

Gene: DCTN1 (dynactin subunit 1; minus strand). Cytogenetic location: 2p13.1.
Variant type: single nucleotide variant.
Coding change: c.3029+19G>T on transcript NM_004082.5 (MANE Select); 19 bases into the intron after coding-DNA position 3029, G replaced by T.
Molecular consequence: intron variant.
Genome position (GRCh38, 1-based): chr2:74,365,496, C>A on the plus strand (G>T on the coding strand, the complement: DCTN1 is on the minus strand). VCF-style: chr2-74365496-C-A. GRCh37 (hg19) VCF-style: chr2-74592623-C-A.
Other names: c.2918+19G>T (NM_001190836.2); c.2960+19G>T (NM_001378992.1); c.2978+19G>T (NM_001378991.1); c.2969+19G>T (NM_001135040.3); c.3008+19G>T (NM_001190837.2); c.2627+19G>T (NM_001135041.3, NM_023019.4).
Identifiers: ClinVar variation 1494716 (VCV001494716.8), dbSNP rs201665169, ClinGen allele CA2573135883.

ClinVar aggregate classification (germline): Uncertain significance (1 of 4 stars; one submission).

Conditions:
Perry syndrome. Also called: PARKINSONISM WITH ALVEOLAR HYPOVENTILATION AND MENTAL DEPRESSION. Identifiers: Orphanet 178509, MedGen C1868594, MONDO:0008201, OMIM 168605.
Neuronopathy, distal hereditary motor, type 7B. Also called: HMN VIIB; Distal Hereditary Motor Neuronopathy Type 7B (dHMN7B); LOWER MOTOR NEURON DISEASE, DYNACTIN TYPE; NEURONOPATHY, DISTAL HEREDITARY MOTOR, AUTOSOMAL DOMINANT 14; NEURONOPATHY, DISTAL HEREDITARY MOTOR, HARDING TYPE VIIB; NEUROPATHY, DISTAL HEREDITARY MOTOR, HARDING TYPE VIIB. Identifiers: Orphanet 139589, MedGen C1843315, MONDO:0011879, OMIM 607641.
Amyotrophic lateral sclerosis type 1 (ALS1). Also called: AMYOTROPHIC LATERAL SCLEROSIS 1, FAMILIAL. Identifiers: Orphanet 803, MedGen C1862939, MONDO:0007103, OMIM 105400.

Submission:

Labcorp Genetics (formerly Invitae), Labcorp
Classification: Uncertain significance for Amyotrophic lateral sclerosis type 1; Neuronopathy, distal hereditary motor, type 7B; Perry syndrome. Last evaluated: 2021-05-30. Review status: criteria provided, single submitter. Criteria: Invitae Variant Classification Sherloc (09022015). Collection method: clinical testing. Allele origin: germline.
Comment: In summary, the available evidence is currently insufficient to determine the role of this variant in disease. Therefore, it has been classified as a Variant of Uncertain Significance. Algorithms developed to predict the effect of sequence changes on RNA splicing suggest that this variant may create or strengthen a splice site, but this prediction has not been confirmed by published transcriptional studies. This variant has not been reported in the literature in individuals with DCTN1-related conditions. This variant is not present in population databases (ExAC no frequency). This sequence change falls in intron 25 of the DCTN1 gene. It does not directly change the encoded amino acid sequence of the DCTN1 protein.